The following is an entry in ClinVar:

ClinVar aggregate classification (germline): Benign/Likely benign. Review status: criteria provided, multiple submitters, no conflicts (2 of 4 stars). 4 submissions from 4 submitters: Benign (2); Likely benign (2). Last evaluated 2026-01-28.

Conditions:
Nephrotic syndrome, type 3 (NPHS3). Also called: NEPHROTIC SYNDROME, EARLY-ONSET, TYPE 3. Identifiers: Orphanet 656, MedGen C1853124, MONDO:0012546, OMIM 610725.

Allele frequency attached by ClinVar (database versions not stated): gnomAD exomes 0.00078; ExAC 0.00094; 1000 Genomes Project 0.00140; 1000 Genomes Project 30x 0.00187; ESP Exome Variant Server 0.00299; gnomAD 0.00327 and 0.00359; TOPMed 0.00379.
gnomAD v4.1: 962 of 1,614,108 alleles (0.06%); highest among the groups gnomAD compares: African/African-American, 1.1%; 6 homozygotes.

Submissions (4):

Labcorp Genetics (formerly Invitae), Labcorp
Classification: Benign. Last evaluated: 2026-01-28. Review status: criteria provided, single submitter. Criteria: Invitae Variant Classification Sherloc (09022015). Collection method: clinical testing. Allele origin: germline.

Fulgent Genetics
Classification: Likely benign for Nephrotic syndrome, type 3. Last evaluated: 2021-12-07. Review status: criteria provided, single submitter. Criteria: ACMG Guidelines, 2015. Collection method: clinical testing. Allele origin: unknown.

GeneDx
Classification: Likely benign. Last evaluated: 2020-05-13. Review status: criteria provided, single submitter. Criteria: GeneDx Variant Classification Process June 2021. Collection method: clinical testing. Allele origin: germline. Affected: yes.
Comment: This variant is associated with the following publications: (PMID: 18975016, 24130771)

Illumina Laboratory Services, Illumina
Classification: Benign for Nephrotic syndrome, type 3. Last evaluated: 2017-04-28. Review status: criteria provided, single submitter. Criteria: ICSL Variant Classification Criteria 13 December 2019. Collection method: clinical testing. Allele origin: germline.
Comment: This variant was observed as part of a predisposition screen in an ostensibly healthy population. A literature search was performed for the gene, cDNA change, and amino acid change (where applicable). Publications were found based on this search. The evidence from the literature, in combination with allele frequency data from public databases where available, was sufficient to rule this variant out of causing disease. Therefore, this variant is classified as benign.

Literature cited by the submitters: PubMed 23595123 (cited by Illumina Laboratory Services, Illumina); PubMed 24247120 (cited by Illumina Laboratory Services, Illumina); PubMed 24130771 (cited by Illumina Laboratory Services, Illumina); PubMed 18975016 (cited by Illumina Laboratory Services, Illumina).

NM_016341.4(PLCE1):c.6518A>G (p.Lys2173Arg)

Genes: NOC3L (NOC3 like DNA replication regulator; minus strand), PLCE1 (phospholipase C epsilon 1; plus strand). Cytogenetic location: 10q23.33.
Variant type: single nucleotide variant.
Coding change: c.6518A>G on transcript NM_016341.4 (MANE Select); coding-DNA position 6518, A replaced by G.
Protein change: p.Lys2173Arg; replaces lysine 2173 with arginine.
Molecular consequence: missense variant.
Genome position (GRCh38, 1-based): chr10:94,324,365, A>G. VCF-style: chr10-94324365-A-G. GRCh37 (hg19) VCF-style: chr10-96084122-A-G.
Other names: c.5594A>G, p.Lys1865Arg (NM_001165979.2); c.6470A>G, p.Lys2157Arg (NM_001288989.2); short protein forms K2173R, K2157R, K1865R.
Identifiers: ClinVar variation 426425 (VCV000426425.15), dbSNP rs111929795, ClinGen allele CA5613605.
Genomic context (GRCh38, chr10:94,324,365, plus strand): 5'-GAGATTCTGTGTCTTTATTCAGTTGATCATAACTTACCTTTCAGACCTTATGCAAAGCCA[A>G]ATATTCCTACAGCATCCTGAGCAACCCCAATCCAAGCGACTATGTGCTTTTGGAAGAGGT-3'
Protein context (NP_057425.3, residues 2163-2183): DVIQQTLCKA[Lys2173Arg]YSYSILSNPN